The following is an entry in ClinVar:

NM_012469.4(PRPF6):c.845C>T (p.Pro282Leu)

Gene: PRPF6 (pre-mRNA processing factor 6; plus strand). Cytogenetic location: 20q13.33.
Variant type: single nucleotide variant.
Coding change: c.845C>T on transcript NM_012469.4 (MANE Select); coding-DNA position 845, C replaced by T.
Protein change: p.Pro282Leu; replaces proline 282 with leucine.
Molecular consequence: missense variant.
Genome position (GRCh38, 1-based): chr20:63,999,118, C>T. VCF-style: chr20-63999118-C-T. GRCh37 (hg19) VCF-style: chr20-62630471-C-T.
Other names: c.845C>T (NM_012469.3); short protein forms P282L.
Identifiers: ClinVar variation 1009959 (VCV001009959.12), dbSNP rs377270235, ClinGen allele CA9972015.

ClinVar aggregate classification (germline): Uncertain significance. Review status: criteria provided, multiple submitters, no conflicts (2 of 4 stars). 3 submissions from 3 submitters: Uncertain significance (3). Last evaluated 2025-04-23.

Conditions:
Retinal dystrophy. Also called: Inherited retinal dystrophy. Identifiers: Orphanet 71862, MedGen C0854723, MeSH D058499, MONDO:0019118, HP:0000556.

Allele frequency attached by ClinVar (database versions not stated): ExAC 0.00001; gnomAD 0.00002; gnomAD exomes 0.00002; TOPMed 0.00002; ESP Exome Variant Server 0.00008.
gnomAD v4.1: 28 of 1,613,750 alleles (0.0017%); highest among the groups gnomAD compares: Non-Finnish European, 0.0022%; no homozygotes.

Submissions (3):

Labcorp Genetics (formerly Invitae), Labcorp
Classification: Uncertain significance. Last evaluated: 2025-04-23. Review status: criteria provided, single submitter. Criteria: Invitae Variant Classification Sherloc (09022015). Collection method: clinical testing. Allele origin: germline.
Comment: This sequence change replaces proline, which is neutral and non-polar, with leucine, which is neutral and non-polar, at codon 282 of the PRPF6 protein (p.Pro282Leu). This variant is present in population databases (rs377270235, gnomAD 0.004%). This missense change has been observed in individual(s) with clinical features of autosomal dominant retinitis pigmentosa (internal data). ClinVar contains an entry for this variant (Variation ID: 1009959). Invitae Evidence Modeling of protein sequence and biophysical properties (such as structural, functional, and spatial information, amino acid conservation, physicochemical variation, residue mobility, and thermodynamic stability) indicates that this missense variant is not expected to disrupt PRPF6 protein function with a negative predictive value of 80%. In summary, the available evidence is currently insufficient to determine the role of this variant in disease. Therefore, it has been classified as a Variant of Uncertain Significance.

Ambry Genetics
Classification: Uncertain significance. Last evaluated: 2024-12-16. Review status: criteria provided, single submitter. Criteria: Ambry Variant Classification Scheme 2023. Collection method: clinical testing. Allele origin: germline.

Dept Of Ophthalmology, Nagoya University
Classification: Uncertain significance for Retinal dystrophy. Last evaluated: 2023-10-01. Review status: criteria provided, single submitter. Criteria: Submitter's publication. Collection method: research. Allele origin: germline. Affected: yes.